The following is an entry in ClinVar:

ClinVar aggregate classification (germline): Pathogenic (1 of 4 stars; one submission).

Submission:

GeneDx
Classification: Pathogenic. Last evaluated: 2011-07-22. Review status: criteria provided, single submitter. Criteria: GeneDx Variant Classification (06012015). Collection method: clinical testing. Allele origin: germline. Affected: yes.
Comment: This mutation is denoted Arg190Gly (aka R190G) at the protein level and c.568 A>G at the cDNA level. The Arg190Gly mutation in the RYR2 gene has not been reported previously as a disease-causing mutation nor as a benign polymorphism, to our knowledge. Arg190Gly results in a non-conservative amino acid substitution of a positively charged Arginine with a non-polar Glycine at a residue that is highly conserved across species. In silico analysis predicts Arg190Gly is probably damaging to the protein structure/function (Adzhubei, et al. 2010). In addition, Arg190Gly is located in the N-terminal mutation hot spot in the RYR2 gene, and mutations in nearby codons (Val186Met, Glu189Asp) have also been reported in association with CPVT, further supporting the functional importance of this region of the protein (Medeiros-Domingo, et al. 2009). Furthermore, Arg190Gly was not detected in up to 600 alleles from control individuals of Caucasian and African American ancestry tested at GeneDx, indicating it is not a common benign variant in these populations. The variant is found in CPVT panel(s).

NM_001035.3(RYR2):c.568A>G (p.Arg190Gly)

Gene: RYR2 (ryanodine receptor 2; plus strand). Cytogenetic location: 1q43.
Variant type: single nucleotide variant.
Coding change: c.568A>G on transcript NM_001035.3 (MANE Select); coding-DNA position 568, A replaced by G.
Protein change: p.Arg190Gly; replaces arginine 190 with glycine.
Molecular consequence: missense variant.
Genome position (GRCh38, 1-based): chr1:237,377,427, A>G. VCF-style: chr1-237377427-A-G. GRCh37 (hg19) VCF-style: chr1-237540727-A-G.
Other names: p.R190G:AGG>GGG; c.568A>G, p.Arg190Gly (LRG_402t1); short protein forms R190G.
Identifiers: ClinVar variation 201369 (VCV000201369.2), dbSNP rs794728814, ClinGen allele CA009967.